The following is an entry in ClinVar:

NM_001374828.1(ARID1B):c.3330C>T (p.Pro1110=)

Gene: ARID1B (AT-rich interaction domain 1B; plus strand). Cytogenetic location: 6q25.3.
Variant type: single nucleotide variant.
Coding change: c.3330C>T on transcript NM_001374828.1 (MANE Select); coding-DNA position 3330, C replaced by T.
Protein change: p.Pro1110=; no amino-acid change (proline 1110 retained).
Molecular consequence: synonymous variant.
Genome position (GRCh38, 1-based): chr6:157,174,102, C>T. VCF-style: chr6-157174102-C-T. GRCh37 (hg19) VCF-style: chr6-157495236-C-T.
Other names: c.831C>T, p.Pro277= (NM_001363725.2); c.3369C>T, p.Pro1123= (NM_001371656.1, NM_001374820.1); c.3330C>T, p.Pro1110= (NM_017519.3); c.3120C>T, p.Pro1040= (NM_020732.3).
Identifiers: ClinVar variation 589751 (VCV000589751.35), dbSNP rs752231248, ClinGen allele CA4067277.

ClinVar aggregate classification (germline): Benign/Likely benign. Review status: criteria provided, multiple submitters, no conflicts (2 of 4 stars). 6 submissions from 6 submitters: Benign (3); Likely benign (2). 1 of the submissions does not count toward it. Last evaluated 2025-12-18.

Conditions:
ARID1B-Related Disorder. Identifiers: MedGen CN381337.
Coffin-Siris syndrome 1 (CSS1). Also called: Mental retardation, autosomal dominant 12; ARID1B-Related Coffin-Siris Syndrome. Identifiers: Orphanet 1465, MedGen C3281201, MONDO:0007617, OMIM 135900. Disease mechanism: gain of function.
Inborn genetic diseases. Identifiers: MedGen C0950123, MeSH D030342.

Allele frequency attached by ClinVar (database versions not stated): gnomAD below 0.00001 and 0.00002; TOPMed 0.00002; gnomAD exomes 0.00011 and 0.00018; ExAC 0.00022.
gnomAD v4.1: 166 of 1,613,994 alleles (0.01%); highest among the groups gnomAD compares: South Asian, 0.15%; no homozygotes.

Submissions (6):

Labcorp Genetics (formerly Invitae), Labcorp
Classification: Benign. Last evaluated: 2025-12-18. Review status: criteria provided, single submitter. Criteria: Invitae Variant Classification Sherloc (09022015). Collection method: clinical testing. Allele origin: germline.

CeGaT Center for Human Genetics Tuebingen
Classification: Likely benign. Last evaluated: 2025-02-01. Review status: criteria provided, single submitter. Criteria: CeGaT Center For Human Genetics Tuebingen Variant Classification Criteria Version 2. Collection method: clinical testing. Allele origin: germline. Affected: yes. Observed: 3 variant alleles.
Comment: ARID1B: BP4, BP7

Genome-Nilou Lab
Classification: Benign for Coffin-Siris syndrome 1. Last evaluated: 2021-07-15. Review status: criteria provided, single submitter. Criteria: ACMG Guidelines, 2015. Collection method: clinical testing. Allele origin: germline. Affected: no.

GeneDx
Classification: Benign. Last evaluated: 2019-07-05. Review status: criteria provided, single submitter. Criteria: GeneDx Variant Classification Process June 2021. Collection method: clinical testing. Allele origin: germline. Affected: yes.

Ambry Genetics
Classification: Likely benign for Inborn genetic diseases. Last evaluated: 2017-03-08. Review status: criteria provided, single submitter. Criteria: Ambry Variant Classification Scheme 2023. Collection method: clinical testing. Allele origin: germline.

PreventionGenetics, part of Exact Sciences
Classification: Likely benign for ARID1B-related condition. Last evaluated: 2019-04-01. Review status: no assertion criteria provided. Collection method: clinical testing. Allele origin: germline. Not counted in ClinVar's aggregate classification.
Comment: This variant is classified as likely benign based on ACMG/AMP sequence variant interpretation guidelines (Richards et al. 2015 PMID: 25741868, with internal and published modifications).